The following is an entry in ClinVar:

NM_182916.3(TRNT1):c.259A>G (p.Thr87Ala)

Gene: TRNT1 (tRNA nucleotidyl transferase 1; plus strand). Cytogenetic location: 3p26.2.
Variant type: single nucleotide variant.
Coding change: c.259A>G on transcript NM_182916.3 (MANE Select); coding-DNA position 259, A replaced by G.
Protein change: p.Thr87Ala; replaces threonine 87 with alanine.
Molecular consequence: missense variant. On other transcripts: non-coding transcript variant (8).
Genome position (GRCh38, 1-based): chr3:3,137,370, A>G. VCF-style: chr3-3137370-A-G. GRCh37 (hg19) VCF-style: chr3-3179054-A-G.
Other names: c.259A>G, p.Thr87Ala (LRG_1314t1, NM_001302946.2, NM_001367321.1 and 2 more transcripts); short protein forms T87A.
Identifiers: ClinVar variation 665462 (VCV000665462.10), dbSNP rs140935012, ClinGen allele CA2228588.

ClinVar aggregate classification (germline): Conflicting classifications of pathogenicity. Review status: criteria provided, conflicting classifications (1 of 4 stars). 3 submissions from 3 submitters: Uncertain significance (2); Likely benign (1). Last evaluated 2025-06-23.

Conditions:
Congenital sideroblastic anemia-B-cell immunodeficiency-periodic fever-developmental delay syndrome. Also called: Sideroblastic anemia with B-cell immunodeficiency, periodic fevers, and developmental delay. Identifiers: Orphanet 369861, MedGen C4015172, MONDO:0014487, OMIM 616084.
Inborn genetic diseases. Identifiers: MedGen C0950123, MeSH D030342.

Allele frequency attached by ClinVar (database versions not stated): gnomAD 0.00011; gnomAD exomes 0.00022 and 0.00021; ExAC 0.00027; ESP Exome Variant Server 0.00031; TOPMed 0.00008.
gnomAD v4.1: 331 of 1,613,814 alleles (0.021%); highest among the groups gnomAD compares: Non-Finnish European, 0.027%; no homozygotes.

Submissions (3):

GeneDx
Classification: Uncertain significance. Last evaluated: 2025-06-23. Review status: criteria provided, single submitter. Criteria: GeneDx Variant Classification Process June 2021. Collection method: clinical testing. Allele origin: germline. Affected: yes.
Comment: In silico analysis suggests that this missense variant does not alter protein structure/function; Has not been previously published as pathogenic or benign to our knowledge

Labcorp Genetics (formerly Invitae), Labcorp
Classification: Uncertain significance for Congenital sideroblastic anemia-B-cell immunodeficiency-periodic fever-developmental delay syndrome. Last evaluated: 2022-09-06. Review status: criteria provided, single submitter. Criteria: Invitae Variant Classification Sherloc (09022015). Collection method: clinical testing. Allele origin: germline.
Comment: This sequence change replaces threonine, which is neutral and polar, with alanine, which is neutral and non-polar, at codon 87 of the TRNT1 protein (p.Thr87Ala). This variant is present in population databases (rs140935012, gnomAD 0.04%). This variant has not been reported in the literature in individuals affected with TRNT1-related conditions. ClinVar contains an entry for this variant (Variation ID: 665462). Algorithms developed to predict the effect of missense changes on protein structure and function output the following: SIFT: "Tolerated"; PolyPhen-2: "Benign"; Align-GVGD: "Class C0". The alanine amino acid residue is found in multiple mammalian species, which suggests that this missense change does not adversely affect protein function. In summary, the available evidence is currently insufficient to determine the role of this variant in disease. Therefore, it has been classified as a Variant of Uncertain Significance.

Ambry Genetics
Classification: Likely benign for Inborn genetic diseases. Last evaluated: 2022-04-07. Review status: criteria provided, single submitter. Criteria: Ambry Variant Classification Scheme 2023. Collection method: clinical testing. Allele origin: germline.